The following is an entry in ClinVar:

ClinVar aggregate classification (germline): Uncertain significance (1 of 4 stars; one submission).

Conditions:
LAMA2-related muscular dystrophy (LAMA2-RD). Also called: Laminin alpha 2-related dystrophy. Identifiers: MedGen C5679788, MONDO:0100228.

Submission:

Labcorp Genetics (formerly Invitae), Labcorp
Classification: Uncertain significance for LAMA2-related muscular dystrophy. Last evaluated: 2022-11-08. Review status: criteria provided, single submitter. Criteria: Invitae Variant Classification Sherloc (09022015). Collection method: clinical testing. Allele origin: germline.
Comment: This variant is not present in population databases (gnomAD no frequency). This variant has not been reported in the literature in individuals affected with LAMA2-related conditions. ClinVar contains an entry for this variant (Variation ID: 1350817). Advanced modeling of protein sequence and biophysical properties (such as structural, functional, and spatial information, amino acid conservation, physicochemical variation, residue mobility, and thermodynamic stability) performed at Invitae indicates that this missense variant is not expected to disrupt LAMA2 protein function. In summary, the available evidence is currently insufficient to determine the role of this variant in disease. Therefore, it has been classified as a Variant of Uncertain Significance. This sequence change replaces methionine, which is neutral and non-polar, with threonine, which is neutral and polar, at codon 1349 of the LAMA2 protein (p.Met1349Thr).

NM_000426.4(LAMA2):c.4046T>C (p.Met1349Thr)

Gene: LAMA2 (laminin subunit alpha 2; plus strand). Cytogenetic location: 6q22.33.
Variant type: single nucleotide variant.
Coding change: c.4046T>C on transcript NM_000426.4 (MANE Select); coding-DNA position 4046, T replaced by C.
Protein change: p.Met1349Thr; replaces methionine 1349 with threonine.
Molecular consequence: missense variant.
Genome position (GRCh38, 1-based): chr6:129,316,159, T>C. VCF-style: chr6-129316159-T-C. GRCh37 (hg19) VCF-style: chr6-129637304-T-C.
Other names: c.4046T>C, p.Met1349Thr (NM_001079823.2); short protein forms M1349T.
Identifiers: ClinVar variation 1350817 (VCV001350817.8), dbSNP rs1216746259, ClinGen allele CA365613854.